The following is an entry in ClinVar:

NM_032043.3(BRIP1):c.1184C>G (p.Ala395Gly)

Gene: BRIP1 (BRCA1 interacting DNA helicase 1; minus strand). Cytogenetic location: 17q23.2.
Variant type: single nucleotide variant.
Coding change: c.1184C>G on transcript NM_032043.3 (MANE Select); coding-DNA position 1184, C replaced by G.
Protein change: p.Ala395Gly; replaces alanine 395 with glycine.
Molecular consequence: missense variant.
Genome position (GRCh38, 1-based): chr17:61,799,256, G>C on the plus strand (C>G on the coding strand, the complement: BRIP1 is on the minus strand). VCF-style: chr17-61799256-G-C. GRCh37 (hg19) VCF-style: chr17-59876617-G-C.
Other names: short protein forms A395G.
Identifiers: ClinVar variation 1742959 (VCV001742959.2), dbSNP rs778992385, ClinGen allele CA400483739.

ClinVar aggregate classification (germline): Uncertain significance (1 of 4 stars; one submission).

Conditions:
Hereditary cancer-predisposing syndrome. Also called: Hereditary Cancer Syndrome; Hereditary neoplastic syndrome; Neoplastic Syndromes, Hereditary; Tumor predisposition. Identifiers: Orphanet 140162, MedGen C0027672, MeSH D009386, MONDO:0015356.

Submission:

Ambry Genetics
Classification: Uncertain significance for Hereditary cancer-predisposing syndrome. Last evaluated: 2021-07-26. Review status: criteria provided, single submitter. Criteria: Ambry Variant Classification Scheme 2023. Collection method: clinical testing. Allele origin: germline.
Comment: The p.A395G variant (also known as c.1184C>G), located in coding exon 8 of the BRIP1 gene, results from a C to G substitution at nucleotide position 1184. The alanine at codon 395 is replaced by glycine, an amino acid with similar properties. This amino acid position is conserved. In addition, this alteration is predicted to be deleterious by in silico analysis. Since supporting evidence is limited at this time, the clinical significance of this alteration remains unclear.